The following is an entry in ClinVar:

ClinVar aggregate classification (germline): Likely benign (1 of 4 stars; one submission).

Submission:

CeGaT Center for Human Genetics Tuebingen
Classification: Likely benign. Last evaluated: 2023-05-01. Review status: criteria provided, single submitter. Criteria: CeGaT Center For Human Genetics Tuebingen Variant Classification Criteria Version 2. Collection method: clinical testing. Allele origin: germline. Affected: yes. Observed: 1 variant allele.
Comment: TNXB: PM2:Supporting, BP4, BP7

NM_001365276.2(TNXB):c.2544G>C (p.Val848=)

Gene: TNXB (tenascin XB; minus strand). Cytogenetic location: 6p21.33.
Variant type: single nucleotide variant.
Coding change: c.2544G>C on transcript NM_001365276.2 (MANE Select); coding-DNA position 2544, G replaced by C.
Protein change: p.Val848=; no amino-acid change (valine 848 retained).
Molecular consequence: synonymous variant.
Genome position (GRCh38, 1-based): chr6:32,089,020, C>G on the plus strand (G>C on the coding strand, the complement: TNXB is on the minus strand). VCF-style: chr6-32089020-C-G. GRCh37 (hg19) VCF-style: chr6-32056797-C-G.
Other names: c.2544G>C, p.Val848= (NM_019105.8).
Identifiers: ClinVar variation 2571248 (VCV002571248.27), dbSNP rs2483720477, ClinGen allele CA449702854.